The following is an entry in ClinVar:

NM_001077418.3(TMEM231):c.354dup (p.His119fs)

Gene: TMEM231 (transmembrane protein 231; minus strand). Cytogenetic location: 16q23.1.
Variant type: Duplication.
Coding change: c.354dup on transcript NM_001077418.3 (MANE Select); coding-DNA position 354, one base duplicated (A; older notation c.354dupA).
Protein change: p.His119fs; shifts the reading frame from histidine 119.
Molecular consequence: frameshift variant. On other transcripts: non-coding transcript variant (1).
Genome position (GRCh38, 1-based): chr16:75,545,910, T duplicated on the plus strand (A on the coding strand, the reverse complement: TMEM231 is on the minus strand). VCF-style (leftmost placement, unchanged base first): chr16-75545909-G-GT. GRCh37 (hg19) VCF-style: chr16-75579807-G-GT.
Other names: c.513dup, p.His172fs (NM_001077416.2); short protein forms H119fs, H172fs.
Identifiers: ClinVar variation 1398946 (VCV001398946.8), dbSNP rs2151703115, ClinGen allele CA2573152645.

ClinVar aggregate classification (germline): Pathogenic/Likely pathogenic. Review status: criteria provided, multiple submitters, no conflicts (2 of 4 stars). 2 submissions from 2 submitters: Pathogenic (1); Likely pathogenic (1). Last evaluated 2025-02-17.

Conditions:
Joubert syndrome 20 (JBTS20). Identifiers: Orphanet 475, MedGen C3554235, MONDO:0013994, OMIM 614970.
Meckel syndrome, type 11 (MKS11). Identifiers: Orphanet 564, MedGen C3809352, MONDO:0014164, OMIM 615397.

Submissions (2):

Dasa
Classification: Likely pathogenic. Last evaluated: 2025-02-17. Review status: criteria provided, single submitter. Criteria: DASA Assertion Criteria. Collection method: clinical testing. Allele origin: germline.
Comment: NM_001077418.3(TMEM231):c.354dup (p.His119Thrfs*3) is a frameshift variant in TMEM231 predicted to alter the reading frame and introduce a premature termination codon and is predicted to result in an absent or altered protein product. Loss of function is an established disease mechanism for TMEM231-associated disorders. Also, this variant is absent from population databases. Based on the currently available evidence, this variant is classified as likely pathogenic.

Labcorp Genetics (formerly Invitae), Labcorp
Classification: Pathogenic for Joubert syndrome 20; Meckel syndrome, type 11. Last evaluated: 2021-09-15. Review status: criteria provided, single submitter. Criteria: Invitae Variant Classification Sherloc (09022015). Collection method: clinical testing. Allele origin: germline.
Comment: This sequence change creates a premature translational stop signal (p.His172Thrfs*3) in the TMEM231 gene. It is expected to result in an absent or disrupted protein product. Loss-of-function variants in TMEM231 are known to be pathogenic (PMID: 23012439, 23349226). The frequency data for this variant in the population databases is considered unreliable, as metrics indicate insufficient coverage at this position in the ExAC database. This variant has not been reported in the literature in individuals affected with TMEM231-related conditions. For these reasons, this variant has been classified as Pathogenic.

Literature cited by the submitters: PubMed 23012439 (cited by Labcorp Genetics (formerly Invitae), Labcorp); PubMed 23349226 (cited by Labcorp Genetics (formerly Invitae), Labcorp).